The following is an entry in ClinVar:

NM_000268.4(NF2):c.112G>A (p.Glu38Lys)

Gene: NF2 (NF2, moesin-ezrin-radixin like (MERLIN) tumor suppressor; plus strand). Cytogenetic location: 22q12.2.
Variant type: single nucleotide variant.
Coding change: c.112G>A on transcript NM_000268.4 (MANE Select); coding-DNA position 112, G replaced by A.
Protein change: p.Glu38Lys; replaces glutamic acid 38 with lysine.
Molecular consequence: missense variant. On other transcripts: 5 prime UTR variant (4), non-coding transcript variant (1).
Genome position (GRCh38, 1-based): chr22:29,604,110, G>A. VCF-style: chr22-29604110-G-A. GRCh37 (hg19) VCF-style: chr22-30000099-G-A.
Other names: c.-119G>A (NM_001407053.1, NM_001407056.1); c.112G>A, p.Glu38Lys (NM_001407054.1, NM_001407055.1, NM_001407057.1 and 15 more transcripts); c.-529G>A (NM_001407065.1); c.-145G>A (NM_001407067.1); short protein forms E38K.
Identifiers: ClinVar variation 3879160 (VCV003879160.1).

ClinVar aggregate classification (germline): Uncertain significance (1 of 4 stars; one submission).

Conditions:
Hereditary cancer-predisposing syndrome. Also called: Tumor predisposition; Neoplastic Syndromes, Hereditary; Hereditary Cancer Syndrome; Hereditary neoplastic syndrome. Identifiers: Orphanet 140162, MedGen C0027672, MeSH D009386, MONDO:0015356.

Submission:

Ambry Genetics
Classification: Uncertain significance for Hereditary cancer-predisposing syndrome. Last evaluated: 2025-01-14. Review status: criteria provided, single submitter. Criteria: Ambry Variant Classification Scheme 2023. Collection method: clinical testing. Allele origin: germline.
Comment: The p.E38K variant (also known as c.112G>A), located in coding exon 1 of the NF2 gene, results from a G to A substitution at nucleotide position 112. The glutamic acid at codon 38 is replaced by lysine, an amino acid with similar properties. This amino acid position is highly conserved in available vertebrate species. In addition, the in silico prediction for this alteration is inconclusive. Based on the available evidence, the clinical significance of this variant remains unclear.